The following is an entry in ClinVar:

ClinVar aggregate classification (germline): Likely benign. Review status: criteria provided, multiple submitters, no conflicts (2 of 4 stars). 2 submissions from 2 submitters: Likely benign (2). Last evaluated 2026-05-01.

gnomAD v4.1: 569 of 1,612,280 alleles (0.035%); highest among the groups gnomAD compares: Admixed American, 0.072%; 1 homozygote.

Submissions (2):

CeGaT Center for Human Genetics Tuebingen
Classification: Likely benign. Last evaluated: 2026-05-01. Review status: criteria provided, single submitter. Criteria: CeGaT Center For Human Genetics Tuebingen Variant Classification Criteria Version 2. Collection method: clinical testing. Allele origin: germline. Affected: yes. Observed: 1 variant allele.
Comment: PIGS: BP4, BP7

Blueprint Genetics
Classification: Likely benign. Last evaluated: 2024-06-18. Review status: criteria provided, single submitter. Criteria: ACMG Guidelines, 2015. Collection method: clinical testing. Allele origin: germline.

NM_033198.4(PIGS):c.1080+15A>G

Gene: PIGS (phosphatidylinositol glycan anchor biosynthesis class S; minus strand). Cytogenetic location: 17q11.2.
Variant type: single nucleotide variant.
Coding change: c.1080+15A>G on transcript NM_033198.4 (MANE Select); 15 bases into the intron after coding-DNA position 1080, A replaced by G.
Molecular consequence: intron variant.
Genome position (GRCh38, 1-based): chr17:28,556,812, T>C on the plus strand (A>G on the coding strand, the complement: PIGS is on the minus strand). VCF-style: chr17-28556812-T-C. GRCh37 (hg19) VCF-style: chr17-26883830-T-C.
Identifiers: ClinVar variation 4872271 (VCV004872271.3).
Genomic context (GRCh38, chr17:28,556,812, plus strand): 5'-GAAGGAACACAGTTTCAGGGACACCTGCCTGTCCCAGAAGCATGGGCTCTGGGGTCTGCG[T>C]AGTGTGACTATTACCATAATGCCACCCCAGCGGGGACTATGGAAGGCATTGGTGGCCACT-3'